The following is an entry in ClinVar:

ClinVar aggregate classification (germline): Pathogenic (1 of 4 stars; one submission).

Conditions:
Primary ciliary dyskinesia 12. Also called: CILIARY DYSKINESIA, PRIMARY, 12, WITHOUT SITUS INVERSUS. Identifiers: Orphanet 244, MedGen C2675228, MONDO:0012979, OMIM 612650.

Submission:

First Genomix Gene Laboratory, Genetic Diagnostics Department
Classification: Pathogenic for Primary ciliary dyskinesia 12. Last evaluated: 2025-09-23. Review status: criteria provided, single submitter. Criteria: ACMG Guidelines, 2015. Collection method: clinical testing. Allele origin: germline. Inheritance: Autosomal recessive inheritance. Affected: no. Observed: 1 variant allele.

NM_018192.4(P3H2):c.1097_1098del (p.Glu366fs)

Gene: P3H2 (prolyl 3-hydroxylase 2; minus strand). Cytogenetic location: 3q28.
Variant type: Microsatellite.
Coding change: c.1097_1098del on transcript NM_018192.4 (MANE Select); coding-DNA positions 1097 to 1098, 2 bases deleted (AG; older notation c.1097_1098delAG).
Protein change: p.Glu366fs; shifts the reading frame from glutamic acid 366.
Molecular consequence: frameshift variant.
Genome position (GRCh38, 1-based): chr3:189,987,527-189,987,528, CT deleted on the plus strand (AG on the coding strand, the reverse complement: P3H2 is on the minus strand); deleting any 2 consecutive bases within chr3:189,987,527-189,987,532 gives the same sequence; the c. name uses the placement nearest the transcript's 3' end. VCF-style (leftmost placement, unchanged base first): chr3-189987526-CCT-C. GRCh37 (hg19) VCF-style: chr3-189705315-CCT-C.
Other names: c.554_555del, p.Glu185fs (NM_001134418.2); short protein forms E185fs, E366fs.
Identifiers: ClinVar variation 4850430 (VCV004850430.1).